The following is an entry in ClinVar:

NM_000090.4(COL3A1):c.616C>A (p.Pro206Thr)

Gene: COL3A1 (collagen type III alpha 1 chain; plus strand). Cytogenetic location: 2q32.2.
Variant type: single nucleotide variant.
Coding change: c.616C>A on transcript NM_000090.4 (MANE Select); coding-DNA position 616, C replaced by A.
Protein change: p.Pro206Thr; replaces proline 206 with threonine.
Molecular consequence: missense variant.
Genome position (GRCh38, 1-based): chr2:188,988,623, C>A. VCF-style: chr2-188988623-C-A. GRCh37 (hg19) VCF-style: chr2-189853349-C-A.
Other names: short protein forms P206T.
Identifiers: ClinVar variation 3629122 (VCV003629122.2).
Genomic context (GRCh38, chr2:188,988,623, plus strand): 5'-AAATTATTTACATATTCTACTCACTAGGGATCTCCAGGATACCAAGGACCCCCTGGTGAA[C>A]CTGGGCAAGCTGGTCCTTCAGTAAGTAACAATTAAATTTATATTTAGTAAGTCGATAATT-3'
Protein context (NP_000081.2, residues 196-216): SPGYQGPPGE[Pro206Thr]GQAGPSGPPG

ClinVar aggregate classification (germline): Uncertain significance (1 of 4 stars; one submission).

Conditions:
Ehlers-Danlos syndrome, type 4 (EDSVASC). Also called: Ehlers-Danlos syndrome vascular type; Ehlers Danlos syndrome, ecchymotic type; Ehlers Danlos syndrome, arterial type; Ehlers Danlos syndrome, Sack-Barabas type; Ehlers-Danlos Syndrome Type IV. Identifiers: Orphanet 286, MedGen C0268338, MONDO:0017314, OMIM 130050.

Submission:

Labcorp Genetics (formerly Invitae), Labcorp
Classification: Uncertain significance for Ehlers-Danlos syndrome, type 4. Last evaluated: 2024-09-17. Review status: criteria provided, single submitter. Criteria: Invitae Variant Classification Sherloc (09022015). Collection method: clinical testing. Allele origin: germline.
Comment: This sequence change replaces proline, which is neutral and non-polar, with threonine, which is neutral and polar, at codon 206 of the COL3A1 protein (p.Pro206Thr). This variant is not present in population databases (gnomAD no frequency). This variant has not been reported in the literature in individuals affected with COL3A1-related conditions. Invitae Evidence Modeling of protein sequence and biophysical properties (such as structural, functional, and spatial information, amino acid conservation, physicochemical variation, residue mobility, and thermodynamic stability) has been performed for this missense variant. However, the output from this modeling did not meet the statistical confidence thresholds required to predict the impact of this variant on COL3A1 protein function. In summary, the available evidence is currently insufficient to determine the role of this variant in disease. Therefore, it has been classified as a Variant of Uncertain Significance.